The following is an entry in ClinVar:

NM_004525.3(LRP2):c.12487_12488dup (p.Asn4163fs)

Gene: LRP2 (LDL receptor related protein 2; minus strand). Cytogenetic location: 2q31.1.
Variant type: Duplication.
Coding change: c.12487_12488dup on transcript NM_004525.3 (MANE Select); coding-DNA positions 12487 to 12488, 2 bases duplicated (AA; older notation c.12487_12488dupAA).
Protein change: p.Asn4163fs; shifts the reading frame from asparagine 4163.
Molecular consequence: frameshift variant.
Genome position (GRCh38, 1-based): chr2:169,151,000-169,151,001, TT duplicated on the plus strand (AA on the coding strand, the reverse complement: LRP2 is on the minus strand). VCF-style (leftmost placement, unchanged base first): chr2-169150999-A-ATT. GRCh37 (hg19) VCF-style: chr2-170007509-A-ATT.
Other names: short protein forms N4163fs.
Identifiers: ClinVar variation 4712786 (VCV004712786.1).

ClinVar aggregate classification (germline): Pathogenic (1 of 4 stars; one submission).

Submission:

Labcorp Genetics (formerly Invitae), Labcorp
Classification: Pathogenic. Last evaluated: 2025-02-23. Review status: criteria provided, single submitter. Criteria: Invitae Variant Classification Sherloc (09022015). Collection method: clinical testing. Allele origin: germline.
Comment: This sequence change creates a premature translational stop signal (p.Asn4163Lysfs*18) in the LRP2 gene. It is expected to result in an absent or disrupted protein product. Loss-of-function variants in LRP2 are known to be pathogenic (PMID: 17632512, 25682901). This variant is not present in population databases (gnomAD no frequency). This variant has not been reported in the literature in individuals affected with LRP2-related conditions. For these reasons, this variant has been classified as Pathogenic.

Literature cited by the submitters: PubMed 17632512; PubMed 25682901.